The following is an entry in ClinVar:

NM_016507.4(CDK12):c.3302C>T (p.Ala1101Val)

Gene: CDK12 (cyclin dependent kinase 12; plus strand). Cytogenetic location: 17q12.
Variant type: single nucleotide variant.
Coding change: c.3302C>T on transcript NM_016507.4 (MANE Select); coding-DNA position 3302, C replaced by T.
Protein change: p.Ala1101Val; replaces alanine 1101 with valine.
Molecular consequence: missense variant.
Genome position (GRCh38, 1-based): chr17:39,524,880, C>T. VCF-style: chr17-39524880-C-T. GRCh37 (hg19) VCF-style: chr17-37681133-C-T.
Other names: c.3302C>T, p.Ala1101Val (NM_015083.4); short protein forms A1101V.
Identifiers: ClinVar variation 3141472 (VCV003141472.2), dbSNP rs372159147, ClinGen allele CA8531503.

ClinVar aggregate classification (germline): Uncertain significance (1 of 4 stars; one submission).

Allele frequency attached by ClinVar (database versions not stated): ExAC 0.00001; gnomAD exomes 0.00001; gnomAD 0.00005; ESP Exome Variant Server 0.00015.

Submission:

Ambry Genetics
Classification: Uncertain significance. Last evaluated: 2024-11-18. Review status: criteria provided, single submitter. Criteria: Ambry Variant Classification Scheme 2023. Collection method: clinical testing. Allele origin: germline.
Comment: The p.A1101V variant (also known as c.3302C>T), located in coding exon 12 of the CDK12 gene, results from a C to T substitution at nucleotide position 3302. The alanine at codon 1101 is replaced by valine, an amino acid with similar properties. This amino acid position is conserved. In addition, this alteration is predicted to be tolerated by in silico analysis. Based on the available evidence, the clinical significance of this variant remains unclear.